The following is an entry in ClinVar:

NM_032119.4(ADGRV1):c.7176C>T (p.Ser2392=)

Gene: ADGRV1 (adhesion G protein-coupled receptor V1; plus strand). Cytogenetic location: 5q14.3.
Variant type: single nucleotide variant.
Coding change: c.7176C>T on transcript NM_032119.4 (MANE Select); coding-DNA position 7176, C replaced by T.
Protein change: p.Ser2392=; no amino-acid change (serine 2392 retained).
Molecular consequence: synonymous variant. On other transcripts: non-coding transcript variant (1).
Genome position (GRCh38, 1-based): chr5:90,693,932, C>T. VCF-style: chr5-90693932-C-T. GRCh37 (hg19) VCF-style: chr5-89989749-C-T.
Other names: p.Ser2392=.
Identifiers: ClinVar variation 46363 (VCV000046363.57), dbSNP rs111033452, ClinGen allele CA138196.

ClinVar aggregate classification (germline): Benign/Likely benign. Review status: criteria provided, multiple submitters, no conflicts (2 of 4 stars). 13 submissions from 13 submitters: Benign (4); Likely benign (5). 4 of the submissions do not count toward it. Last evaluated 2026-09-01.

Conditions:
Inborn genetic diseases. Identifiers: MedGen C0950123, MeSH D030342.
Usher syndrome type 2C. Also called: Usher syndrome, type 2B; USHER SYNDROME, TYPE IIC. Identifiers: Orphanet 231178, Orphanet 886, MedGen C2931213, MONDO:0011558, OMIM 605472.

Allele frequency attached by ClinVar (database versions not stated): 1000 Genomes Project 30x 0.00265; 1000 Genomes Project 0.00280; ESP Exome Variant Server 0.00307; TOPMed 0.00332.
gnomAD v4.1: 6,098 of 1,595,086 alleles (0.38%); highest among the groups gnomAD compares: Middle Eastern, 1%; 18 homozygotes.

Submissions (13):

CeGaT Center for Human Genetics Tuebingen
Classification: Likely benign. Last evaluated: 2026-09-01. Review status: criteria provided, single submitter. Criteria: CeGaT Center For Human Genetics Tuebingen Variant Classification Criteria Version 2. Collection method: clinical testing. Allele origin: germline. Affected: yes. Observed: 20 variant alleles.
Comment: ADGRV1: BP4, BP7

Labcorp Genetics (formerly Invitae), Labcorp
Classification: Benign. Last evaluated: 2026-02-04. Review status: criteria provided, single submitter. Criteria: Invitae Variant Classification Sherloc (09022015). Collection method: clinical testing. Allele origin: germline.

Mayo Clinic Laboratories, Mayo Clinic
Classification: Likely benign. Last evaluated: 2025-08-20. Review status: criteria provided, single submitter. Criteria: ACMG Guidelines, 2015. Collection method: clinical testing. Allele origin: germline. Observed: 2 variant alleles.
Comment: BS1, BP4, BP7

Illumina Laboratory Services, Illumina
Classification: Benign for Usher syndrome type 2C. Last evaluated: 2025-04-08. Review status: criteria provided, single submitter. Criteria: ICSLVariantClassificationCriteria RUGD 01 April 2020. Collection method: clinical testing. Allele origin: unknown.

Blueprint Genetics
Classification: Likely benign. Last evaluated: 2024-11-25. Review status: criteria provided, single submitter. Criteria: ACMG Guidelines, 2015. Collection method: clinical testing. Allele origin: germline.

Ambry Genetics
Classification: Likely benign for Inborn genetic diseases. Last evaluated: 2023-05-19. Review status: criteria provided, single submitter. Criteria: Ambry Variant Classification Scheme 2023. Collection method: clinical testing. Allele origin: germline.

Eurofins Ntd Llc (ga)
Classification: Likely benign. Last evaluated: 2015-07-20. Review status: criteria provided, single submitter. Criteria: EGL Classification Definitions 2015. Collection method: clinical testing. Allele origin: germline. Observed: 1 variant allele, 1 heterozygote.

GeneDx
Classification: Benign. Last evaluated: 2015-03-03. Review status: criteria provided, single submitter. Criteria: GeneDx Variant Classification Process June 2021. Collection method: clinical testing. Allele origin: germline. Affected: yes.
Comment: This variant is associated with the following publications: (PMID: 28157192)

Laboratory for Molecular Medicine, Mass General Brigham Personalized Medicine
Classification: Benign. Last evaluated: 2012-03-13. Review status: criteria provided, single submitter. Criteria: LMM Criteria. Collection method: clinical testing. Allele origin: germline. Observed: 21 variant alleles.
Comment: Ser2392Ser in exon 33 of GPR98: }: This variant is not expected to have clinical significance because it does not alter an amino acid residue, is not located wi thin the splice consensus sequence and has been identified in 0.41% (27/6648) of European American chromosomes from a broad population by the NHLBI Exome Sequen cing Project (dbSNP rs111033452).

Clinical Genetics DNA and cytogenetics Diagnostics Lab, Erasmus MC, Erasmus Medical Center
Classification: Likely benign. Review status: no assertion criteria provided. Collection method: clinical testing. Allele origin: germline. Affected: yes. Study: VKGL Data-share Consensus. Not counted in ClinVar's aggregate classification.

Clinical Genetics, Academic Medical Center
Classification: Benign. Review status: no assertion criteria provided. Collection method: clinical testing. Allele origin: germline. Affected: yes. Study: VKGL Data-share Consensus. Not counted in ClinVar's aggregate classification.

Genetic Services Laboratory, University of Chicago
Classification: Likely benign. Review status: no assertion criteria provided. Collection method: clinical testing. Allele origin: germline. Inheritance: Autosomal dominant inheritance. Not counted in ClinVar's aggregate classification.
Comment: Likely benign based on allele frequency in 1000 Genomes Project or ESP global frequency and its presence in a patient with a rare or unrelated disease phenotype. NOT Sanger confirmed

Genome Diagnostics Laboratory, University Medical Center Utrecht
Classification: Likely benign. Review status: no assertion criteria provided. Collection method: clinical testing. Allele origin: germline. Affected: yes. Study: VKGL Data-share Consensus. Not counted in ClinVar's aggregate classification.

Literature cited by the submitters: PubMed 28157192 (cited by Mayo Clinic Laboratories, Mayo Clinic).